The following is an entry in ClinVar:

NM_006614.4(CHL1):c.5A>G (p.Glu2Gly)

Gene: CHL1 (cell adhesion molecule L1 like; plus strand). Cytogenetic location: 3p26.3.
Variant type: single nucleotide variant.
Coding change: c.5A>G on transcript NM_006614.4 (MANE Select); coding-DNA position 5, A replaced by G.
Protein change: p.Glu2Gly; replaces glutamic acid 2 with glycine.
Molecular consequence: missense variant.
Genome position (GRCh38, 1-based): chr3:319,781, A>G. VCF-style: chr3-319781-A-G. GRCh37 (hg19) VCF-style: chr3-361464-A-G.
Other names: c.5A>G, p.Glu2Gly (NM_001253387.2, NM_001253388.1); short protein forms E2G.
Identifiers: ClinVar variation 983061 (VCV000983061.1), dbSNP rs1247101959, ClinGen allele CA351420241.

ClinVar aggregate classification (germline): Uncertain significance (1 of 4 stars; one submission).

Conditions:
Seizure. Also called: Seizures. Identifiers: MedGen C0036572, HP:0001250.

Allele frequency attached by ClinVar (database versions not stated): gnomAD exomes below 0.00001; TOPMed below 0.00001.
gnomAD v4.1: 2 of 1,603,636 alleles (0.00012%); highest among the groups gnomAD compares: Non-Finnish European, 0.00017%; no homozygotes.

Submission:

Institute of Human Genetics, University of Leipzig Medical Center
Classification: Uncertain significance for Seizures. Last evaluated: 2019-01-01. Review status: criteria provided, single submitter. Criteria: ACMG Guidelines, 2015. Collection method: clinical testing. Allele origin: unknown. Affected: no.
Comment: This variant was identified as compound heterozygous.